The following is an entry in ClinVar:

ClinVar aggregate classification (germline): Benign/Likely benign. Review status: criteria provided, multiple submitters, no conflicts (2 of 4 stars). 3 submissions from 3 submitters: Benign (1); Likely benign (2). Last evaluated 2025-03-17.

Conditions:
Hereditary cancer-predisposing syndrome. Also called: Neoplastic Syndromes, Hereditary; Tumor predisposition; Hereditary Cancer Syndrome; Hereditary neoplastic syndrome. Identifiers: Orphanet 140162, MedGen C0027672, MeSH D009386, MONDO:0015356.
Pheochromocytoma/paraganglioma syndrome 3. Also called: GLOMUS TUMORS, FAMILIAL, 3; Paragangliomas 3; SDHC-Related Hereditary Paraganglioma-Pheochromocytoma Syndrome (Paragangliomas 3); SDHC-Related Hereditary Paraganglioma-Pheochromocytoma Syndrome. Identifiers: Orphanet 29072, MedGen C1854336, MONDO:0011544, OMIM 605373.
Gastrointestinal stromal tumor. Also called: Gastrointestinal stromal tumor, somatic; Gastrointestinal stroma tumor. Identifiers: Orphanet 44890, MedGen C0238198, MeSH D046152, MONDO:0011719, OMIM 606764, HP:0100723.

Allele frequency attached by ClinVar (database versions not stated): TOPMed below 0.00001.

Submissions (3):

Myriad Genetics, Inc.
Classification: Benign for Pheochromocytoma/paraganglioma syndrome 3. Last evaluated: 2025-03-17. Review status: criteria provided, single submitter. Criteria: Myriad Autosomal Dominant, Autosomal Recessive and X-Linked Classification Criteria (2023). Collection method: clinical testing. Allele origin: unknown.
Comment: This variant is considered benign. This variant is a silent/synonymous amino acid change and it is not expected to impact splicing.

Labcorp Genetics (formerly Invitae), Labcorp
Classification: Likely benign for Pheochromocytoma/paraganglioma syndrome 3; Gastrointestinal stromal tumor. Last evaluated: 2024-09-30. Review status: criteria provided, single submitter. Criteria: Invitae Variant Classification Sherloc (09022015). Collection method: clinical testing. Allele origin: germline.

Ambry Genetics
Classification: Likely benign for Hereditary cancer-predisposing syndrome. Last evaluated: 2019-03-05. Review status: criteria provided, single submitter. Criteria: Ambry Variant Classification Scheme 2023. Collection method: clinical testing. Allele origin: germline.

NM_003001.5(SDHC):c.477T>C (p.Thr159=)

Gene: SDHC (succinate dehydrogenase complex subunit C; plus strand). Cytogenetic location: 1q23.3.
Variant type: single nucleotide variant.
Coding change: c.477T>C on transcript NM_003001.5 (MANE Select); coding-DNA position 477, T replaced by C.
Protein change: p.Thr159=; no amino-acid change (threonine 159 retained).
Molecular consequence: synonymous variant. On other transcripts: missense variant (3), non-coding transcript variant (1).
Genome position (GRCh38, 1-based): chr1:161,362,400, T>C. VCF-style: chr1-161362400-T-C. GRCh37 (hg19) VCF-style: chr1-161332190-T-C.
Other names: c.313T>C, p.Cys105Arg (NM_001035511.3); c.375T>C, p.Thr125= (NM_001035512.3); c.318T>C, p.Thr106= (NM_001035513.3); c.211T>C, p.Cys71Arg (NM_001278172.3); c.597T>C, p.Thr199= (NM_001407115.1); c.420T>C, p.Thr140= (NM_001407116.1); c.414T>C, p.Thr138= (NM_001407117.1); c.369T>C, p.Thr123= (NM_001407118.1); and 2 more; short protein forms C105R, C71R, C86R.
Identifiers: ClinVar variation 825167 (VCV000825167.13), dbSNP rs759055559, ClinGen allele CA343457878.